The following is an entry in ClinVar:

NM_001035.3(RYR2):c.6793-17_6793-10del

Gene: RYR2 (ryanodine receptor 2; plus strand). Cytogenetic location: 1q43.
Variant type: Deletion.
Coding change: c.6793-17_6793-10del on transcript NM_001035.3 (MANE Select); 17 bases into the intron before coding-DNA position 6793 through 10 bases into the intron before coding-DNA position 6793, 8 bases deleted (AATCATGT; older notation c.6793-17_6793-10delAATCATGT).
Molecular consequence: intron variant.
Genome position (GRCh38, 1-based): chr1:237,638,340-237,638,347, AATCATGT deleted; deleting any 8 consecutive bases within chr1:237,638,339-237,638,347 gives the same sequence; the c. name uses the placement nearest the transcript's 3' end. VCF-style (leftmost placement, unchanged base first): chr1-237638338-TTAATCATG-T. GRCh37 (hg19) VCF-style: chr1-237801638-TTAATCATG-T.
Identifiers: ClinVar variation 2774324 (VCV002774324.3), dbSNP rs2546958566, ClinGen allele CA2574469957.
Genomic context (GRCh38, chr1:237,638,338, plus strand): 5'-GTCATTTATTGTATCCAATGTAAGCATCTAATGAGTTTTCAGCCAAGGGATAACTCTTTG[TTAATCATG>T]TTGTTTGCAGGTAGTTCGTTATTTGGCTGGTTGTGGACTGCAAAGTTGCCAGATGCTGGT-3'

ClinVar aggregate classification (germline): Conflicting classifications of pathogenicity. Review status: criteria provided, conflicting classifications (1 of 4 stars). 2 submissions from 2 submitters: Uncertain significance (1); Likely benign (1). Last evaluated 2025-12-09.

Conditions:
Cardiomyopathy (CMYO). Also called: Cardiomyopathies. Identifiers: Orphanet 167848, MedGen C0878544, MONDO:0004994, HP:0001638. Inheritance: Various modes of inheritance.
Catecholaminergic polymorphic ventricular tachycardia 1. Also called: VENTRICULAR TACHYCARDIA, STRESS-INDUCED POLYMORPHIC 1; VENTRICULAR TACHYCARDIA, CATECHOLAMINERGIC POLYMORPHIC, 1, WITH OR WITHOUT ATRIAL DYSFUNCTION AND/OR DILATED CARDIOMYOPATHY; RYR2-Related Catecholaminergic Polymorphic Ventricular Tachycardia. Identifiers: Orphanet 3286, MedGen C1631597, MONDO:0011484, OMIM 604772.

Submissions (2):

Labcorp Genetics (formerly Invitae), Labcorp
Classification: Likely benign for Catecholaminergic polymorphic ventricular tachycardia 1. Last evaluated: 2025-12-09. Review status: criteria provided, single submitter. Criteria: Invitae Variant Classification Sherloc (09022015). Collection method: clinical testing. Allele origin: germline.

Color Diagnostics, LLC DBA Color Health
Classification: Uncertain significance for Cardiomyopathy. Last evaluated: 2022-12-13. Review status: criteria provided, single submitter. Criteria: ACMG Guidelines, 2015. Collection method: clinical testing. Allele origin: germline.
Comment: This variant causes a deletion of eight nucleotides in intron 44 of the RYR2 gene. To our knowledge, functional studies have not been reported for this variant. This variant has not been reported in individuals affected with RYR2-related disorders in the literature. This variant has not been identified in the general population by the Genome Aggregation Database (gnomAD). The available evidence is insufficient to determine the role of this variant in disease conclusively. Therefore, this variant is classified as a Variant of Uncertain Significance.